The following is an entry in ClinVar:

ClinVar aggregate classification (germline): Benign/Likely benign. Review status: criteria provided, multiple submitters, no conflicts (2 of 4 stars). 9 submissions from 9 submitters: Benign (5); Likely benign (3). 1 of the submissions does not count toward it. Last evaluated 2026-02-02.

Conditions:
MSH3-related disorder. Also called: MSH3-related condition.
Endometrial carcinoma. Also called: Endometrial carcinoma, somatic. Identifiers: MedGen C0476089, MONDO:0002447, OMIM 608089, HP:0012114.
Familial adenomatous polyposis 4 (FAP4). Also called: MSH3-related attenuated familial adenomatous polyposis. Identifiers: Orphanet 480536, MedGen C4310719, MONDO:0044300, OMIM 617100.

Submissions (10):

Labcorp Genetics (formerly Invitae), Labcorp
Classification: Benign. Last evaluated: 2026-02-02. Review status: criteria provided, single submitter. Criteria: Invitae Variant Classification Sherloc (09022015). Collection method: clinical testing. Allele origin: germline.

Quest Diagnostics Nichols Institute San Juan Capistrano
Classification: Benign. Last evaluated: 2025-08-07. Review status: criteria provided, single submitter. Criteria: Quest Diagnostics criteria. Collection method: clinical testing. Allele origin: unknown.

Mayo Clinic Laboratories, Mayo Clinic
Classification: Likely benign. Last evaluated: 2025-07-29. Review status: criteria provided, single submitter. Criteria: ACMG Guidelines, 2015. Collection method: clinical testing. Allele origin: germline. Observed: 3 variant alleles.
Comment: BS1, BP4, BP7

CeGaT Center for Human Genetics Tuebingen
Classification: Likely benign. Last evaluated: 2025-06-01. Review status: criteria provided, single submitter. Criteria: CeGaT Center For Human Genetics Tuebingen Variant Classification Criteria Version 2. Collection method: clinical testing. Allele origin: germline. Affected: yes. Observed: 3 variant alleles.
Comment: MSH3: BP4, BS2

Center for Genomic Medicine, Rigshospitalet, Copenhagen University Hospital
Classification: Likely benign. Last evaluated: 2025-03-04. Review status: criteria provided, single submitter. Criteria: ACMG Guidelines, 2015. Collection method: clinical testing. Allele origin: germline.

ARUP Laboratories, Molecular Genetics and Genomics, ARUP Laboratories
Classification: Benign. Last evaluated: 2025-01-07. Review status: criteria provided, single submitter. Criteria: ARUP Molecular Germline Variant Investigation Process 2024. Collection method: clinical testing. Allele origin: germline.

Department of Pathology and Laboratory Medicine, Sinai Health System
Classification: Benign for Endometrial carcinoma; Familial adenomatous polyposis 4. Last evaluated: 2021-06-09. Review status: criteria provided, single submitter. Criteria: ACMG Guidelines, 2015. Collection method: clinical testing. Allele origin: germline. Affected: yes.

GeneDx
Classification: Benign. Last evaluated: 2021-03-02. Review status: criteria provided, single submitter. Criteria: GeneDx Variant Classification Process June 2021. Collection method: clinical testing. Allele origin: germline. Affected: yes.

PreventionGenetics, part of Exact Sciences
Classification: Benign for MSH3-related condition. Last evaluated: 2019-08-07. Review status: no assertion criteria provided. Collection method: clinical testing. Allele origin: germline. Not counted in ClinVar's aggregate classification.
Comment: This variant is classified as benign based on ACMG/AMP sequence variant interpretation guidelines (Richards et al. 2015 PMID: 25741868, with internal and published modifications).

Dr. Peter K. Rogan Lab, Western University
No classification provided (evidence only). Condition: Familial cancer of breast. Review status: no classification provided. Collection method: in vitro. Allele origin: not applicable. Functional consequence: retained intron. Not counted in ClinVar's aggregate classification.

Literature cited by the submitters: PubMed 38136308 (cited by Quest Diagnostics Nichols Institute San Juan Capistrano).

NM_002439.5(MSH3):c.1764-9_1764-8del

Gene: MSH3 (mutS homolog 3; plus strand). Cytogenetic location: 5q14.1.
Variant type: Deletion.
Coding change: c.1764-9_1764-8del on transcript NM_002439.5 (MANE Select); 9 bases into the intron before coding-DNA position 1764 through 8 bases into the intron before coding-DNA position 1764, 2 bases deleted (TT; older notation c.1764-9_1764-8delTT).
Molecular consequence: intron variant.
Genome position (GRCh38, 1-based): chr5:80,761,537-80,761,538, TT deleted; deleting any 2 consecutive bases within chr5:80,761,535-80,761,538 gives the same sequence; the c. name uses the placement nearest the transcript's 3' end. VCF-style (leftmost placement, unchanged base first): chr5-80761534-CTT-C. GRCh37 (hg19) VCF-style: chr5-80057353-CTT-C.
Other names: p.?; c.1764-9_1764-8delTT (NM_002439.5, NM_002439.4).
Identifiers: ClinVar variation 771860 (VCV000771860.54), dbSNP rs41559616, ClinGen allele CA3328036.